The following is an entry in ClinVar:

NM_020706.2(SCAF4):c.1489C>T (p.Gln497Ter)

Gene: SCAF4 (SR-related CTD associated factor 4; minus strand). Cytogenetic location: 21q22.11.
Variant type: single nucleotide variant.
Coding change: c.1489C>T on transcript NM_020706.2 (MANE Select); coding-DNA position 1489, C replaced by T.
Protein change: p.Gln497Ter; replaces glutamine 497 with a stop codon.
Molecular consequence: nonsense.
Genome position (GRCh38, 1-based): chr21:31,693,318, G>A on the plus strand (C>T on the coding strand, the complement: SCAF4 is on the minus strand). VCF-style: chr21-31693318-G-A. GRCh37 (hg19) VCF-style: chr21-33065631-G-A.
Other names: c.1444C>T, p.Gln482Ter (NM_001145444.1); c.1489C>T, p.Gln497Ter (NM_001145445.1); short protein forms Q482*, Q497*.
Identifiers: ClinVar variation 3382689 (VCV003382689.2).

ClinVar aggregate classification (germline): Likely pathogenic (1 of 4 stars; one submission).

Conditions:
Fliedner-Zweier syndrome (FZS). Identifiers: MedGen C5882693, MONDO:0957787, OMIM 620511.

Submission:

Juno Genomics, Hangzhou Juno Genomics, Inc
Classification: Likely pathogenic for Fliedner-Zweier syndrome. Review status: criteria provided, single submitter. Criteria: ACMG Guidelines, 2015. Collection method: clinical testing. Allele origin: germline. Affected: yes.
Comment: Absent from controls (or at extremely low frequency if recessive) in Genome Aggregation Database, Exome Sequencing Project, 1000 Genomes Project, or Exome Aggregation Consortium.;Null variant in a gene where loss of function (LOF) is a known mechanism of disease.